The following is an entry in ClinVar:

ClinVar aggregate classification (germline): Uncertain significance (1 of 4 stars; one submission).

Conditions:
Actin accumulation myopathy (CMYO2A). Also called: CONGENITAL MYOPATHY 2A, TYPICAL, AUTOSOMAL DOMINANT; Myopathy, actin, congenital, with cores; Nemaline myopathy 3, with intranuclear rods; Nemaline myopathy type 3; Myopathy, actin, congenital, with excess of thin myofilaments. Identifiers: Orphanet 98904, MedGen C3711389, MONDO:0008070, OMIM 161800.

Submission:

Labcorp Genetics (formerly Invitae), Labcorp
Classification: Uncertain significance for Actin accumulation myopathy. Last evaluated: 2017-02-15. Review status: criteria provided, single submitter. Criteria: Invitae Variant Classification Sherloc (09022015). Collection method: clinical testing. Allele origin: germline.
Comment: This sequence change deletes 6 nucleotides from exon 6 of the ACTA1 mRNA (c.963_968delGCTGGC). This leads to the deletion of 2 amino acid residue(s) in the ACTA1 protein (p.Leu322_Ala323del) but otherwise preserves the integrity of the reading frame. This variant is not present in population databases (ExAC no frequency) and has not been reported in the literature in individuals with a ACTA1-related disease. Experimental studies and prediction algorithms are not available for this variant, and the functional significance of the deleted amino acids is currently unknown. In summary, this is a novel in-frame deletion with uncertain impact on protein function. It has been classified as a Variant of Uncertain Significance.

NM_001100.4(ACTA1):c.963_968del (p.Leu322_Ala323del)

Gene: ACTA1 (actin alpha 1, skeletal muscle; minus strand). Cytogenetic location: 1q42.13.
Variant type: Deletion.
Coding change: c.963_968del on transcript NM_001100.4 (MANE Select); coding-DNA positions 963 to 968, 6 bases deleted (GCTGGC; older notation c.963_968delGCTGGC).
Protein change: p.Leu322_Ala323del.
Molecular consequence: inframe deletion.
Genome position (GRCh38, 1-based): chr1:229,431,743-229,431,748, GCCAGC deleted on the plus strand (GCTGGC on the coding strand, the reverse complement: ACTA1 is on the minus strand); deleting any 6 consecutive bases within chr1:229,431,743-229,431,750 gives the same sequence; the c. name uses the placement nearest the transcript's 3' end. VCF-style (leftmost placement, unchanged base first): chr1-229431742-TGCCAGC-T. GRCh37 (hg19) VCF-style: chr1-229567489-TGCCAGC-T.
Other names: c.963_968delGCTGGC (NM_001100.3).
Identifiers: ClinVar variation 464137 (VCV000464137.9), dbSNP rs1553255336, ClinGen allele CA658656988.